The following is an entry in ClinVar:

ClinVar aggregate classification (germline): Likely benign (1 of 4 stars; one submission).

Conditions:
RNF13-related disorder. Also called: RNF13-related condition.

Submission:

PreventionGenetics, part of Exact Sciences
Classification: Likely benign for RNF13-related condition. Last evaluated: 2024-12-30. Review status: criteria provided, single submitter. Criteria: ACMG Guidelines, 2015. Collection method: clinical testing. Allele origin: germline.
Comment: This variant is classified as likely benign based on ACMG/AMP sequence variant interpretation guidelines (Richards et al. 2015 PMID: 25741868, with internal and published modifications).

NM_183381.3(RNF13):c.-3G>A

Gene: RNF13 (ring finger protein 13; plus strand). Cytogenetic location: 3q25.1.
Variant type: single nucleotide variant.
Coding change: c.-3G>A on transcript NM_183381.3 (MANE Select); 3 bases upstream of the start codon, G replaced by A.
Molecular consequence: 5 prime UTR variant. On other transcripts: non-coding transcript variant (1), intron variant (2).
Genome position (GRCh38, 1-based): chr3:149,846,024, G>A. VCF-style: chr3-149846024-G-A. GRCh37 (hg19) VCF-style: chr3-149563811-G-A.
Other names: c.-3G>A (NM_001378285.1, NM_001378286.1, NM_007282.4); c.-370G>A (NM_001378287.1, NM_001378288.1, NM_001378289.1 and 1 more transcripts); c.-253-6492G>A (NM_183383.2); c.-279-6492G>A (NM_001378291.1).
Identifiers: ClinVar variation 4988447 (VCV004988447.1).